The following is an entry in ClinVar:

NM_001267550.2(TTN):c.5022C>G (p.Ala1674=)

Gene: TTN (titin; minus strand). Cytogenetic location: 2q31.2.
Variant type: single nucleotide variant.
Coding change: c.5022C>G on transcript NM_001267550.2 (MANE Select); coding-DNA position 5022, C replaced by G.
Protein change: p.Ala1674=; no amino-acid change (alanine 1674 retained).
Molecular consequence: synonymous variant.
Genome position (GRCh38, 1-based): chr2:178,776,842, G>C on the plus strand (C>G on the coding strand, the complement: TTN is on the minus strand). VCF-style: chr2-178776842-G-C. GRCh37 (hg19) VCF-style: chr2-179641569-G-C.
Other names: c.5022C>G, p.Ala1674= (NM_001256850.1, NM_133378.4, NM_133379.5); c.4884C>G, p.Ala1628= (NM_003319.4, NM_133432.3, NM_133437.4).
Identifiers: ClinVar variation 391557 (VCV000391557.9), dbSNP rs753444772, ClinGen allele CA2005231.
Genomic context (GRCh38, chr2:178,776,842, plus strand): 5'-GAGATCACCTTCTTCCCATTGCTCTTGGCCATATCGCAAATGGAGGGGCTCCAGTTCTGG[G>C]GCTGCAATCTCCTTTGCTCTATATGTCCCCCGTGGGATGATTAACTTTCTCTCTGGCTCA-3'
Protein context (NP_001254479.2, residues 1664-1684): RGTYRAKEIA[Ala1674=]PELEPLHLRY

ClinVar aggregate classification (germline): Conflicting classifications of pathogenicity. Review status: criteria provided, conflicting classifications (1 of 4 stars). 3 submissions from 3 submitters: Uncertain significance (1); Likely benign (2). Last evaluated 2023-10-06.

Conditions:
Autosomal recessive limb-girdle muscular dystrophy type 2J (LGMDR10). Also called: Limb-girdle muscular dystrophy, type 2J; MUSCULAR DYSTROPHY, LIMB-GIRDLE, AUTOSOMAL RECESSIVE 10. Identifiers: Orphanet 140922, MedGen C1837342, MONDO:0012127, OMIM 608807.
Dilated cardiomyopathy 1G (CMD1G). Identifiers: Orphanet 154, MedGen C1858763, MONDO:0011400, OMIM 604145.

Allele frequency attached by ClinVar (database versions not stated): TOPMed below 0.00001; ExAC 0.00001; gnomAD exomes 0.00001.
gnomAD v4.1: 15 of 1,614,064 alleles (0.00093%); highest among the groups gnomAD compares: South Asian, 0.015%; no homozygotes.

Submissions (3):

Labcorp Genetics (formerly Invitae), Labcorp
Classification: Likely benign for Dilated cardiomyopathy 1G; Autosomal recessive limb-girdle muscular dystrophy type 2J. Last evaluated: 2023-10-06. Review status: criteria provided, single submitter. Criteria: Invitae Variant Classification Sherloc (09022015). Collection method: clinical testing. Allele origin: germline.

Eurofins Ntd Llc (ga)
Classification: Uncertain significance. Last evaluated: 2018-01-26. Review status: criteria provided, single submitter. Criteria: EGL Classification Definitions 2015. Collection method: clinical testing. Allele origin: germline. Observed: 1 variant allele, 1 heterozygote.

GeneDx
Classification: Likely benign. Last evaluated: 2016-12-12. Review status: criteria provided, single submitter. Criteria: GeneDx Variant Classification (06012015). Collection method: clinical testing. Allele origin: germline. Affected: yes.
Comment: This variant is considered likely benign or benign based on one or more of the following criteria: it is a conservative change, it occurs at a poorly conserved position in the protein, it is predicted to be benign by multiple in silico algorithms, and/or has population frequency not consistent with disease.